The following is an entry in ClinVar:

ClinVar aggregate classification (germline): Uncertain significance (1 of 4 stars; one submission).

Conditions:
Renal cell carcinoma. Identifiers: Orphanet 217071, MedGen C0007134, MeSH D002292, MONDO:0005086, HP:0005584.

Allele frequency attached by ClinVar (database versions not stated): gnomAD exomes below 0.00001.
gnomAD v4.1: 1 of 1,593,514 alleles (0.000063%); highest among the groups gnomAD compares: South Asian, 0.0012%; no homozygotes.

Submission:

Labcorp Genetics (formerly Invitae), Labcorp
Classification: Uncertain significance for Renal cell carcinoma. Last evaluated: 2023-03-03. Review status: criteria provided, single submitter. Criteria: Invitae Variant Classification Sherloc (09022015). Collection method: clinical testing. Allele origin: germline.
Comment: In summary, the available evidence is currently insufficient to determine the role of this variant in disease. Therefore, it has been classified as a Variant of Uncertain Significance. Advanced modeling of protein sequence and biophysical properties (such as structural, functional, and spatial information, amino acid conservation, physicochemical variation, residue mobility, and thermodynamic stability) performed at Invitae indicates that this missense variant is not expected to disrupt MET protein function. This variant has not been reported in the literature in individuals affected with MET-related conditions. This variant is not present in population databases (gnomAD no frequency). This sequence change replaces proline, which is neutral and non-polar, with alanine, which is neutral and non-polar, at codon 366 of the MET protein (p.Pro366Ala).

NM_000245.4(MET):c.1096C>G (p.Pro366Ala)

Gene: MET (MET proto-oncogene, receptor tyrosine kinase; plus strand). Cytogenetic location: 7q31.2.
Variant type: single nucleotide variant.
Coding change: c.1096C>G on transcript NM_000245.4 (MANE Select); coding-DNA position 1096, C replaced by G.
Protein change: p.Pro366Ala; replaces proline 366 with alanine.
Molecular consequence: missense variant. On other transcripts: intron variant (1).
Genome position (GRCh38, 1-based): chr7:116,700,180, C>G. VCF-style: chr7-116700180-C-G. GRCh37 (hg19) VCF-style: chr7-116340234-C-G.
Other names: c.1096C>G, p.Pro366Ala (NM_001127500.3, NM_001324401.3); c.-91+27603C>G (NM_001324402.2); short protein forms P366A.
Identifiers: ClinVar variation 2842364 (VCV002842364.3), dbSNP rs2116605388, ClinGen allele CA368970526.